The following is an entry in ClinVar:

NM_001042492.3(NF1):c.3137C>A (p.Thr1046Lys)

Gene: NF1 (neurofibromin 1; plus strand). Cytogenetic location: 17q11.2.
Variant type: single nucleotide variant.
Coding change: c.3137C>A on transcript NM_001042492.3 (MANE Select); coding-DNA position 3137, C replaced by A.
Protein change: p.Thr1046Lys; replaces threonine 1046 with lysine.
Molecular consequence: missense variant.
Genome position (GRCh38, 1-based): chr17:31,230,865, C>A. VCF-style: chr17-31230865-C-A. GRCh37 (hg19) VCF-style: chr17-29557883-C-A.
Other names: c.3137C>A, p.Thr1046Lys (NM_000267.4); short protein forms T1046K.
Identifiers: ClinVar variation 4800743 (VCV004800743.1).

ClinVar aggregate classification (germline): Uncertain significance (1 of 4 stars; one submission).

Conditions:
Neurofibromatosis, type 1 (NF1). Also called: VON RECKLINGHAUSEN DISEASE; Neurofibromatosis, type I; NEUROFIBROMATOSIS, TYPE I, SOMATIC; Peripheral type neurofibromatosis. Identifiers: Orphanet 636, MedGen C0027831, MONDO:0018975, OMIM 162200. Disease mechanism: loss of function.

Submission:

Labcorp Genetics (formerly Invitae), Labcorp
Classification: Uncertain significance for Neurofibromatosis, type 1. Last evaluated: 2026-01-18. Review status: criteria provided, single submitter. Criteria: Invitae Variant Classification Sherloc (09022015). Collection method: clinical testing. Allele origin: germline.
Comment: This sequence change replaces threonine, which is neutral and polar, with lysine, which is basic and polar, at codon 1046 of the NF1 protein (p.Thr1046Lys). This variant is not present in population databases (gnomAD no frequency). This variant has not been reported in the literature in individuals affected with NF1-related conditions. Invitae Evidence Modeling of protein sequence and biophysical properties (such as structural, functional, and spatial information, amino acid conservation, physicochemical variation, residue mobility, and thermodynamic stability) indicates that this missense variant is expected to disrupt NF1 protein function with a positive predictive value of 95%. This variant disrupts the p.Thr1046 amino acid residue in NF1. Other variant(s) that disrupt this residue have been determined to be pathogenic (internal data). This suggests that this residue is clinically significant, and that variants that disrupt this residue are likely to be disease-causing. In summary, the available evidence is currently insufficient to determine the role of this variant in disease. Therefore, it has been classified as a Variant of Uncertain Significance.